The following is an entry in ClinVar:

NM_004369.4(COL6A3):c.8566G>A (p.Val2856Ile)

Gene: COL6A3 (collagen type VI alpha 3 chain; minus strand). Cytogenetic location: 2q37.3.
Variant type: single nucleotide variant.
Coding change: c.8566G>A on transcript NM_004369.4 (MANE Select); coding-DNA position 8566, G replaced by A.
Protein change: p.Val2856Ile; replaces valine 2856 with isoleucine.
Molecular consequence: missense variant.
Genome position (GRCh38, 1-based): chr2:237,339,016, C>T on the plus strand (G>A on the coding strand, the complement: COL6A3 is on the minus strand). VCF-style: chr2-237339016-C-T. GRCh37 (hg19) VCF-style: chr2-238247659-C-T.
Other names: c.6745G>A, p.Val2249Ile (NM_057166.5); c.7948G>A, p.Val2650Ile (NM_057167.4); short protein forms V2249I, V2856I, V2650I.
Identifiers: ClinVar variation 2547536 (VCV002547536.6), dbSNP rs1169100731, ClinGen allele CA351192680.

ClinVar aggregate classification (germline): Conflicting classifications of pathogenicity. Review status: criteria provided, conflicting classifications (1 of 4 stars). 3 submissions from 3 submitters: Uncertain significance (2); Likely benign (1). Last evaluated 2025-10-03.

Conditions:
Inborn genetic diseases. Identifiers: MedGen C0950123, MeSH D030342.
Bethlem myopathy 1A. Also called: MYOPATHY, BENIGN CONGENITAL, WITH CONTRACTURES; Bethlem Muscular Dystrophy; Bethlem myopathy 1. Identifiers: Orphanet 610, MedGen CN029274, MONDO:0024530, OMIM 158810.

Allele frequency attached by ClinVar (database versions not stated): gnomAD 0.00001; TOPMed 0.00001; gnomAD exomes 0.00003.
gnomAD v4.1: 36 of 1,612,714 alleles (0.0022%); highest among the groups gnomAD compares: Non-Finnish European, 0.003%; no homozygotes.

Submissions (3):

Labcorp Genetics (formerly Invitae), Labcorp
Classification: Uncertain significance for Bethlem myopathy 1A. Last evaluated: 2025-10-03. Review status: criteria provided, single submitter. Criteria: Invitae Variant Classification Sherloc (09022015). Collection method: clinical testing. Allele origin: germline.
Comment: This sequence change replaces valine, which is neutral and non-polar, with isoleucine, which is neutral and non-polar, at codon 2856 of the COL6A3 protein (p.Val2856Ile). This variant is present in population databases (no rsID available, gnomAD 0.002%). This variant has not been reported in the literature in individuals affected with COL6A3-related conditions. ClinVar contains an entry for this variant (Variation ID: 2547536). An algorithm developed to predict the effect of missense changes on protein structure and function outputs the following: PolyPhen-2: "Not Available". The isoleucine amino acid residue is found in multiple mammalian species, which suggests that this missense change does not adversely affect protein function. In summary, the available evidence is currently insufficient to determine the role of this variant in disease. Therefore, it has been classified as a Variant of Uncertain Significance.

Revvity Omics, Revvity
Classification: Uncertain significance. Last evaluated: 2024-12-10. Review status: criteria provided, single submitter. Criteria: ACMG Guidelines, 2015. Collection method: clinical testing. Allele origin: germline.

Ambry Genetics
Classification: Likely benign for Inborn genetic diseases. Last evaluated: 2023-05-17. Review status: criteria provided, single submitter. Criteria: Ambry Variant Classification Scheme 2023. Collection method: clinical testing. Allele origin: germline.